The following is an entry in ClinVar:

ClinVar aggregate classification (germline): Pathogenic (1 of 4 stars; one submission).

Conditions:
Tuberous sclerosis 2 (TSC2). Identifiers: Orphanet 805, MedGen C1860707, MONDO:0013199, OMIM 613254.

Submission:

Labcorp Genetics (formerly Invitae), Labcorp
Classification: Pathogenic for Tuberous sclerosis 2. Last evaluated: 2023-04-14. Review status: criteria provided, single submitter. Criteria: Invitae Variant Classification Sherloc (09022015). Collection method: clinical testing. Allele origin: germline.
Comment: For these reasons, this variant has been classified as Pathogenic. This variant has not been reported in the literature in individuals affected with TSC2-related conditions. This variant is not present in population databases (gnomAD no frequency). This sequence change creates a premature translational stop signal (p.Gly1086Alafs*79) in the TSC2 gene. It is expected to result in an absent or disrupted protein product. Loss-of-function variants in TSC2 are known to be pathogenic (PMID: 10205261, 17304050).

Literature cited by the submitters: PubMed 10205261; PubMed 17304050.

NM_000548.5(TSC2):c.3255_3262del (p.Gly1086fs)

Gene: TSC2 (TSC complex subunit 2; plus strand). Cytogenetic location: 16p13.3.
Variant type: Deletion.
Coding change: c.3255_3262del on transcript NM_000548.5 (MANE Select); coding-DNA positions 3255 to 3262, 8 bases deleted (GGGGGAGC; older notation c.3255_3262delGGGGGAGC).
Protein change: p.Gly1086fs; shifts the reading frame from glycine 1086.
Molecular consequence: frameshift variant. On other transcripts: non-coding transcript variant (5).
Genome position (GRCh38, 1-based): chr16:2,079,399-2,079,406, GGGGGAGC deleted; deleting any 8 consecutive bases within chr16:2,079,398-2,079,406 gives the same sequence; the c. name uses the placement nearest the transcript's 3' end. VCF-style (leftmost placement, unchanged base first): chr16-2079397-TCGGGGGAG-T. GRCh37 (hg19) VCF-style: chr16-2129398-TCGGGGGAG-T.
Other names: c.3123_3130del, p.Gly1042fs (NM_001077183.3, NM_001370404.1, NM_001406665.1); c.3255_3262del, p.Gly1086fs (NM_001114382.3); c.3015_3022del, p.Gly1006fs (NM_001318827.2); c.2979_2986del, p.Gly994fs (NM_001318829.2); c.2523_2530del, p.Gly842fs (NM_001318831.2, NM_001406687.1, NM_001406688.1); c.3156_3163del, p.Gly1053fs (NM_001318832.2); c.3126_3133del, p.Gly1043fs (NM_001363528.2, NM_001370405.1, NM_021055.3); c.3252_3259del, p.Gly1085fs (NM_001406663.1, NM_001406664.1); and 18 more; short protein forms G1005fs, G1037fs, G1042fs, G1086fs, G842fs, G885fs, G993fs, G994fs.
Identifiers: ClinVar variation 2855992 (VCV002855992.3), dbSNP rs2544054315, ClinGen allele CA2739269911.